The following is an entry in ClinVar:

NM_001818.5(AKR1C4):c.359T>C (p.Met120Thr)

Gene: AKR1C4 (aldo-keto reductase family 1 member C4; plus strand). Cytogenetic location: 10p15.1.
Variant type: single nucleotide variant.
Coding change: c.359T>C on transcript NM_001818.5 (MANE Select); coding-DNA position 359, T replaced by C.
Protein change: p.Met120Thr; replaces methionine 120 with threonine.
Molecular consequence: missense variant.
Genome position (GRCh38, 1-based): chr10:5,204,483, T>C. VCF-style: chr10-5204483-T-C. GRCh37 (hg19) VCF-style: chr10-5246446-T-C.
Other names: short protein forms M120T.
Identifiers: ClinVar variation 4986157 (VCV004986157.1).
Genomic context (GRCh38, chr10:5,204,483, plus strand): 5'-AAAGCTCACTGAAAAAACTTCAACTGGACTATGTTGACCTCTATCTTCTTCATTTCCCAA[T>C]GGCTCTCAAGGTAGGGAATTTGTGAGATCAACTTCTCTTCTGTTCTCAGCATGACCATCC-3'
Protein context (NP_001809.4, residues 110-130): YVDLYLLHFP[Met120Thr]ALKPGETPLP

ClinVar aggregate classification (germline): Uncertain significance (1 of 4 stars; one submission).

Conditions:
AKR1C4-related disorder. Also called: AKR1C4-related condition.

Submission:

PreventionGenetics, part of Exact Sciences
Classification: Uncertain significance for AKR1C4-related condition. Last evaluated: 2025-06-25. Review status: criteria provided, single submitter. Criteria: ACMG Guidelines, 2015. Collection method: clinical testing. Allele origin: germline.
Comment: The AKR1C4 c.359T>C variant is predicted to result in the amino acid substitution p.Met120Thr. To our knowledge, this variant has not been reported in the literature or in a large population database (gnomAD), indicating this variant is rare. At this time, the clinical significance of this variant is uncertain due to the absence of conclusive functional and genetic evidence.